The following is an entry in ClinVar:

ClinVar aggregate classification (germline): Conflicting classifications of pathogenicity. Review status: criteria provided, conflicting classifications (1 of 4 stars). 6 submissions from 6 submitters: Uncertain significance (2); Likely benign (3). 1 of the submissions does not count toward it. Last evaluated 2026-02-02.

Conditions:
CAV1-related disorder. Also called: CAV1-related condition.
Pulmonary hypertension, primary, 3. Identifiers: Orphanet 422, MedGen C3809192, MONDO:0014135, OMIM 615343.
Inborn genetic diseases. Identifiers: MedGen C0950123, MeSH D030342.

Allele frequency attached by ClinVar (database versions not stated): 1000 Genomes Project 30x 0.00031; 1000 Genomes Project 0.00040; ESP Exome Variant Server 0.00046; gnomAD 0.00057 and 0.00058; ExAC 0.00059; gnomAD exomes 0.00062; TOPMed 0.00085.
gnomAD v4.1: 499 of 1,613,896 alleles (0.031%); highest among the groups gnomAD compares: Middle Eastern, 0.25%; 1 homozygote.

Submissions (6):

Labcorp Genetics (formerly Invitae), Labcorp
Classification: Likely benign for Pulmonary hypertension, primary, 3. Last evaluated: 2026-02-02. Review status: criteria provided, single submitter. Criteria: Invitae Variant Classification Sherloc (09022015). Collection method: clinical testing. Allele origin: germline.

GeneDx
Classification: Uncertain significance. Last evaluated: 2025-03-11. Review status: criteria provided, single submitter. Criteria: GeneDx Variant Classification Process June 2021. Collection method: clinical testing. Allele origin: germline. Affected: yes.
Comment: Identified in a patient with idiopathic pulmonary arterial hypertension and found to be inherited from an unaffected parent, however, this patient had another identified CAV1 variant that was found to be de novo (PMID: 22474227); Identified in patients with pulmonary arterial hypertension in the published literature, however, detailed clinical and familial segregation information was not provided (PMID: 30578397, 25917481); In silico analysis indicates that this missense variant does not alter protein structure/function; This variant is associated with the following publications: (PMID: 30084161, 22474227, 30578397, 33264630, 25917481)

CeGaT Center for Human Genetics Tuebingen
Classification: Uncertain significance. Last evaluated: 2024-09-01. Review status: criteria provided, single submitter. Criteria: CeGaT Center For Human Genetics Tuebingen Variant Classification Criteria Version 2. Collection method: clinical testing. Allele origin: germline. Affected: yes. Observed: 1 variant allele.
Comment: CAV1: PM3, PM2:Supporting, BP4

Ambry Genetics
Classification: Likely benign for Inborn genetic diseases. Last evaluated: 2021-09-02. Review status: criteria provided, single submitter. Criteria: Ambry Variant Classification Scheme 2023. Collection method: clinical testing. Allele origin: germline.

ARUP Laboratories, Molecular Genetics and Genomics, ARUP Laboratories
Classification: Likely benign. Last evaluated: 2020-04-04. Review status: criteria provided, single submitter. Criteria: ARUP Molecular Germline Variant Investigation Process. Collection method: clinical testing. Allele origin: germline.

PreventionGenetics, part of Exact Sciences
Classification: Likely benign for CAV1-related condition. Last evaluated: 2022-04-01. Review status: no assertion criteria provided. Collection method: clinical testing. Allele origin: germline. Not counted in ClinVar's aggregate classification.
Comment: This variant is classified as likely benign based on ACMG/AMP sequence variant interpretation guidelines (Richards et al. 2015 PMID: 25741868, with internal and published modifications).

NM_001753.5(CAV1):c.463G>A (p.Val155Ile)

Gene: CAV1 (caveolin 1; plus strand). Cytogenetic location: 7q31.2.
Variant type: single nucleotide variant.
Coding change: c.463G>A on transcript NM_001753.5 (MANE Select); coding-DNA position 463, G replaced by A.
Protein change: p.Val155Ile; replaces valine 155 with isoleucine.
Molecular consequence: missense variant.
Genome position (GRCh38, 1-based): chr7:116,559,213, G>A. VCF-style: chr7-116559213-G-A. GRCh37 (hg19) VCF-style: chr7-116199267-G-A.
Other names: c.370G>A, p.Val124Ile (NM_001172895.1, NM_001172896.2, NM_001172897.2); short protein forms V155I, V124I.
Identifiers: ClinVar variation 695522 (VCV000695522.36), dbSNP rs150368249, ClinGen allele CA4447892.